The following is an entry in ClinVar:

ClinVar aggregate classification (germline): Uncertain significance. Review status: criteria provided, multiple submitters, no conflicts (2 of 4 stars). 2 submissions from 2 submitters: Uncertain significance (2). Last evaluated 2025-03-01.

Conditions:
Charcot-Marie-Tooth disease type 2. Also called: Charcot-Marie-Tooth type 2. Identifiers: Orphanet 64746, MedGen C0270914, MONDO:0018993.

gnomAD v4.1: 1 of 1,613,964 alleles (0.000062%); highest among the groups gnomAD compares: Non-Finnish European, 0.000085%; no homozygotes.

Submissions (2):

Ambry Genetics
Classification: Uncertain significance. Last evaluated: 2025-03-01. Review status: criteria provided, single submitter. Criteria: Ambry Variant Classification Scheme 2023. Collection method: clinical testing. Allele origin: germline.
Comment: The p.V1593I variant (also known as c.4777G>A), located in coding exon 42 of the KIF1B gene, results from a G to A substitution at nucleotide position 4777. The valine at codon 1593 is replaced by isoleucine, an amino acid with highly similar properties. This amino acid position is conserved. In addition, this alteration is predicted to be tolerated by in silico analysis. Based on the available evidence, the clinical significance of this variant remains unclear.

Labcorp Genetics (formerly Invitae), Labcorp
Classification: Uncertain significance for Charcot-Marie-Tooth disease type 2. Last evaluated: 2024-08-15. Review status: criteria provided, single submitter. Criteria: Invitae Variant Classification Sherloc (09022015). Collection method: clinical testing. Allele origin: germline.
Comment: This sequence change replaces valine, which is neutral and non-polar, with isoleucine, which is neutral and non-polar, at codon 1593 of the KIF1B protein (p.Val1593Ile). This variant is present in population databases (rs369686427, gnomAD 0.0009%). This variant has not been reported in the literature in individuals affected with KIF1B-related conditions. An algorithm developed to predict the effect of missense changes on protein structure and function outputs the following: PolyPhen-2: "Benign". The isoleucine amino acid residue is found in multiple mammalian species, which suggests that this missense change does not adversely affect protein function. In summary, the available evidence is currently insufficient to determine the role of this variant in disease. Therefore, it has been classified as a Variant of Uncertain Significance.

NM_001365951.3(KIF1B):c.4915G>A (p.Val1639Ile)

Gene: KIF1B (kinesin family member 1B; plus strand). Cytogenetic location: 1p36.22.
Variant type: single nucleotide variant.
Coding change: c.4915G>A on transcript NM_001365951.3 (MANE Select); coding-DNA position 4915, G replaced by A.
Protein change: p.Val1639Ile; replaces valine 1639 with isoleucine.
Molecular consequence: missense variant.
Genome position (GRCh38, 1-based): chr1:10,371,231, G>A. VCF-style: chr1-10371231-G-A. GRCh37 (hg19) VCF-style: chr1-10431289-G-A.
Other names: c.4915G>A, p.Val1639Ile (NM_001365952.1); c.4777G>A, p.Val1593Ile (NM_015074.3); short protein forms V1593I, V1639I.
Identifiers: ClinVar variation 3617656 (VCV003617656.3).